The following is an entry in ClinVar:

ClinVar aggregate classification (germline): Conflicting classifications of pathogenicity. Review status: criteria provided, conflicting classifications (1 of 4 stars). 3 submissions from 3 submitters: Uncertain significance (1); Likely benign (2). Last evaluated 2025-09-13.

Allele frequency attached by ClinVar (database versions not stated): ExAC 0.00006; gnomAD exomes 0.00007 and 0.00012; ESP Exome Variant Server 0.00008; TOPMed 0.00016; gnomAD 0.00017 and 0.00019; 1000 Genomes Project 30x 0.00031; 1000 Genomes Project 0.00040.
gnomAD v4.1: 192 of 1,611,638 alleles (0.012%); highest among the groups gnomAD compares: African/African-American, 0.029%; no homozygotes.

Submissions (3):

Labcorp Genetics (formerly Invitae), Labcorp
Classification: Likely benign. Last evaluated: 2025-09-13. Review status: criteria provided, single submitter. Criteria: Invitae Variant Classification Sherloc (09022015). Collection method: clinical testing. Allele origin: germline.

Blueprint Genetics
Classification: Likely benign. Last evaluated: 2024-09-10. Review status: criteria provided, single submitter. Criteria: ACMG Guidelines, 2015. Collection method: clinical testing. Allele origin: germline.

GeneDx
Classification: Uncertain significance. Last evaluated: 2019-11-08. Review status: criteria provided, single submitter. Criteria: GeneDx Variant Classification Process June 2021. Collection method: clinical testing. Allele origin: germline. Affected: yes.
Comment: Has not been previously published as pathogenic or benign to our knowledge; In-silico analysis, which includes splice predictors and evolutionary conservation, is inconclusive as to whether the variant alters gene splicing. In the absence of RNA/functional studies, the actual effect of this sequence change is unknown.

NM_004174.4(SLC9A3):c.755-11C>T

Gene: SLC9A3 (solute carrier family 9 member A3). Cytogenetic location: 5p15.33.
Variant type: single nucleotide variant.
Coding change: c.755-11C>T on transcript NM_004174.4 (MANE Select); 11 bases into the intron before coding-DNA position 755, C replaced by T.
Molecular consequence: intron variant.
Genome position (GRCh38, 1-based): chr5:484,708, G>A on the plus strand (C>T on the coding strand, the complement: SLC9A3 is on the minus strand). VCF-style: chr5-484708-G-A. GRCh37 (hg19) VCF-style: chr5-484823-G-A.
Other names: c.755-11C>T (NM_001284351.3).
Identifiers: ClinVar variation 1309790 (VCV001309790.10), dbSNP rs139270058, ClinGen allele CA3176185.